The following is an entry in ClinVar:

NM_001267550.2(TTN):c.245C>A (p.Ala82Asp)

Gene: TTN (titin; minus strand). Cytogenetic location: 2q31.2.
Variant type: single nucleotide variant.
Coding change: c.245C>A on transcript NM_001267550.2 (MANE Select); coding-DNA position 245, C replaced by A.
Protein change: p.Ala82Asp; replaces alanine 82 with aspartic acid.
Molecular consequence: missense variant.
Genome position (GRCh38, 1-based): chr2:178,802,188, G>T on the plus strand (C>A on the coding strand, the complement: TTN is on the minus strand). VCF-style: chr2-178802188-G-T. GRCh37 (hg19) VCF-style: chr2-179666915-G-T.
Other names: c.245C>A, p.Ala82Asp (NM_001256850.1, NM_003319.4, NM_133378.4 and 3 more transcripts); short protein forms A82D.
Identifiers: ClinVar variation 5016842 (VCV005016842.1).

ClinVar aggregate classification (germline): Uncertain significance (1 of 4 stars; one submission).

Submission:

GeneDx
Classification: Uncertain significance. Last evaluated: 2026-03-22. Review status: criteria provided, single submitter. Criteria: GeneDx Variant Classification Process June 2021. Collection method: clinical testing. Allele origin: germline.
Comment: Not observed at significant frequency in large population cohorts (gnomAD); Missense variant in a gene in which most reported pathogenic variants are truncating/loss of function; This variant is associated with the following publications: (PMID: 33449170)